The following is an entry in ClinVar:

NM_018124.4(RFWD3):c.431A>G (p.His144Arg)

Gene: RFWD3 (ring finger and WD repeat domain 3; minus strand). Cytogenetic location: 16q23.1.
Variant type: single nucleotide variant.
Coding change: c.431A>G on transcript NM_018124.4 (MANE Select); coding-DNA position 431, A replaced by G.
Protein change: p.His144Arg; replaces histidine 144 with arginine.
Molecular consequence: missense variant. On other transcripts: 5 prime UTR variant (4), intron variant (1).
Genome position (GRCh38, 1-based): chr16:74,661,019, T>C on the plus strand (A>G on the coding strand, the complement: RFWD3 is on the minus strand). VCF-style: chr16-74661019-T-C. GRCh37 (hg19) VCF-style: chr16-74694917-T-C.
Other names: c.431A>G, p.His144Arg (NM_001370534.1, NM_001370535.1, NM_001370536.1); c.-578A>G (NM_001370537.1); c.-201A>G (NM_001370539.1, NM_001370541.1); c.-455A>G (NM_001370542.1); c.-333A>G (NM_001370543.1); c.-317+3605A>G (NM_001370540.1); short protein forms H144R.
Identifiers: ClinVar variation 2183307 (VCV002183307.4), dbSNP rs1392813327, ClinGen allele CA396763917.

ClinVar aggregate classification (germline): Uncertain significance (1 of 4 stars; one submission).

Allele frequency attached by ClinVar (database versions not stated): gnomAD 0.00001; gnomAD exomes 0.00001.
gnomAD v4.1: 7 of 1,614,052 alleles (0.00043%); highest among the groups gnomAD compares: Admixed American, 0.01%; no homozygotes.

Submission:

Labcorp Genetics (formerly Invitae), Labcorp
Classification: Uncertain significance. Last evaluated: 2024-09-27. Review status: criteria provided, single submitter. Criteria: Invitae Variant Classification Sherloc (09022015). Collection method: clinical testing. Allele origin: germline.
Comment: This sequence change replaces histidine, which is basic and polar, with arginine, which is basic and polar, at codon 144 of the RFWD3 protein (p.His144Arg). This variant is present in population databases (no rsID available, gnomAD 0.003%). This variant has not been reported in the literature in individuals affected with RFWD3-related conditions. ClinVar contains an entry for this variant (Variation ID: 2183307). An algorithm developed to predict the effect of missense changes on protein structure and function outputs the following: PolyPhen-2: "Benign". The arginine amino acid residue is found in multiple mammalian species, which suggests that this missense change does not adversely affect protein function. In summary, the available evidence is currently insufficient to determine the role of this variant in disease. Therefore, it has been classified as a Variant of Uncertain Significance.